The following is an entry in ClinVar:

NM_001203.3(BMPR1B):c.*2156C>T

Gene: BMPR1B (bone morphogenetic protein receptor type 1B; plus strand). Cytogenetic location: 4q22.3.
Variant type: single nucleotide variant.
Coding change: c.*2156C>T on transcript NM_001203.3 (MANE Select); 2156 bases downstream of the stop codon, C replaced by T.
Molecular consequence: 3 prime UTR variant.
Genome position (GRCh38, 1-based): chr4:95,156,829, C>T. VCF-style: chr4-95156829-C-T. GRCh37 (hg19) VCF-style: chr4-96077980-C-T.
Other names: c.*2156C>T (NM_001256792.2, NM_001256793.2, NM_001256794.1).
Identifiers: ClinVar variation 907736 (VCV000907736.4), dbSNP rs115505973, ClinGen allele CA15335941.

ClinVar aggregate classification (germline): Benign (1 of 4 stars; one submission).

Conditions:
Brachydactyly. Also called: Brachydactyly (disease); Brachydactyly syndrome. Identifiers: MedGen C0221357, MONDO:0021004, HP:0001156.

Allele frequency attached by ClinVar (database versions not stated): 1000 Genomes Project 0.00799; gnomAD 0.00834 and 0.00904; 1000 Genomes Project 30x 0.00874; TOPMed 0.00943.

Submission:

Illumina Laboratory Services, Illumina
Classification: Benign for Brachydactyly. Last evaluated: 2018-01-13. Review status: criteria provided, single submitter. Criteria: ICSL Variant Classification Criteria 13 December 2019. Collection method: clinical testing. Allele origin: germline.
Comment: This variant was observed in the ICSL laboratory as part of a predisposition screen in an ostensibly healthy population. It had not been previously curated by ICSL or reported in the Human Gene Mutation Database (HGMD: prior to June 1st, 2018), and was therefore a candidate for classification through an automated scoring system. Utilizing variant allele frequency, disease prevalence and penetrance estimates, and inheritance mode, an automated score was calculated to assess if this variant is too frequent to cause the disease. Based on the score and internal cut-off values, a variant classified as benign is not then subjected to further curation. The score for this variant resulted in a classification of benign for this disease.